The following is an entry in ClinVar:

NM_000238.4(KCNH2):c.422C>T (p.Pro141Leu)

Gene: KCNH2 (potassium voltage-gated channel subfamily H member 2; minus strand). Cytogenetic location: 7q36.1.
Variant type: single nucleotide variant.
Coding change: c.422C>T on transcript NM_000238.4 (MANE Select); coding-DNA position 422, C replaced by T.
Protein change: p.Pro141Leu; replaces proline 141 with leucine.
Molecular consequence: missense variant.
Genome position (GRCh38, 1-based): chr7:150,959,622, G>A on the plus strand (C>T on the coding strand, the complement: KCNH2 is on the minus strand). VCF-style: chr7-150959622-G-A. GRCh37 (hg19) VCF-style: chr7-150656710-G-A.
Other names: p.P141L:CCG>CTG; c.422C>T (LRG_288t1); c.134C>T, p.Pro45Leu (NM_001406753.1, NM_001406756.1); c.245C>T, p.Pro82Leu (NM_001406755.1); c.122C>T, p.Pro41Leu (NM_001406757.1); c.422C>T, p.Pro141Leu (NM_172056.3); short protein forms P141L, P41L, P82L, P45L.
Identifiers: ClinVar variation 67504 (VCV000067504.41), dbSNP rs199472864, ClinGen allele CA008431.

ClinVar aggregate classification (germline): Conflicting classifications of pathogenicity. Review status: criteria provided, conflicting classifications (1 of 4 stars). 15 submissions from 15 submitters: Uncertain significance (3); Benign (1); Likely benign (9). 2 of the submissions do not count toward it. Last evaluated 2026-09-01.

Conditions:
Cardiac arrhythmia. Also called: Cardiac rhythm disease; Arrhythmia. Identifiers: MedGen C0003811, MONDO:0007263, HP:0011675.
Cardiovascular phenotype. Identifiers: MedGen CN230736.
Long QT syndrome (LQTS). Identifiers: MedGen C0023976, MeSH D008133, MONDO:0002442. Disease mechanism: loss of function. Inheritance: Various modes of inheritance.
Long QT syndrome 2 (LQT2). Identifiers: Orphanet 101016, Orphanet 768, MedGen C3150943, MONDO:0013367, OMIM 613688.
Hypertrophic cardiomyopathy. Also called: HYPERTROPHIC MYOCARDIOPATHY. Identifiers: Orphanet 217569, MedGen C0007194, MeSH D002312, MONDO:0005045, HP:0001639.

Allele frequency attached by ClinVar (database versions not stated): ESP Exome Variant Server 0.00008; gnomAD 0.00008 and 0.00007; gnomAD exomes 0.00011 and 0.00031; TOPMed 0.00015; ExAC 0.00026; 1000 Genomes Project 0.00040; 1000 Genomes Project 30x 0.00047.
gnomAD v4.1: 167 of 1,614,050 alleles (0.01%); highest among the groups gnomAD compares: Admixed American, 0.14%; no homozygotes.

Submissions (15):

CeGaT Center for Human Genetics Tuebingen
Classification: Likely benign. Last evaluated: 2026-09-01. Review status: criteria provided, single submitter. Criteria: CeGaT Center For Human Genetics Tuebingen Variant Classification Criteria Version 2. Collection method: clinical testing. Allele origin: germline. Affected: yes. Observed: 4 variant alleles.
Comment: KCNH2: BS1

Labcorp Genetics (formerly Invitae), Labcorp
Classification: Likely benign for Long QT syndrome. Last evaluated: 2026-01-19. Review status: criteria provided, single submitter. Criteria: Invitae Variant Classification Sherloc (09022015). Collection method: clinical testing. Allele origin: germline.

Women's Health and Genetics/Laboratory Corporation of America, LabCorp
Classification: Likely benign. Last evaluated: 2025-04-23. Review status: criteria provided, single submitter. Criteria: LabCorp Variant Classification Summary - May 2015. Collection method: clinical testing. Allele origin: germline.
Comment: Variant summary: KCNH2 c.422C>T (p.Pro141Leu) results in a non-conservative amino acid change located in the PAS-associated, C-terminal domain (IPR000700) of the encoded protein sequence. Three of five in-silico tools predict a damaging effect of the variant on protein function. The variant allele was found at a frequency of 0.00031 in 253838 control chromosomes, predominantly at a frequency of 0.0021 within the Latino subpopulation in the gnomAD database. The observed variant frequency within Latino control individuals in the gnomAD database is approximately 17.026 fold of the estimated maximal expected allele frequency for a pathogenic variant in KCNH2 causing Long QT Syndrome phenotype (0.00012). c.422C>T has been observed in individual(s) affected with Long QT Syndrome without clinical/genotype-phenotype correlations (Kapplinger_2009). These report(s) do not provide unequivocal conclusions about association of the variant with Long QT Syndrome. To our knowledge, no experimental evidence demonstrating an impact on protein function has been reported. The following publication have been ascertained in the context of this evaluation (PMID: 19716085). ClinVar contains an entry for this variant (Variation ID: 67504). Based on the evidence outlined above, the variant was classified as likely benign.

GeneDx
Classification: Likely benign. Last evaluated: 2024-05-10. Review status: criteria provided, single submitter. Criteria: GeneDx Variant Classification Process June 2021. Collection method: clinical testing. Allele origin: germline. Affected: yes.
Comment: See Variant Classification Assertion Criteria.

Mendelics
Classification: Benign for Long QT syndrome 2. Last evaluated: 2023-08-22. Review status: criteria provided, single submitter. Criteria: Mendelics Assertion Criteria 2019. Collection method: clinical testing. Allele origin: germline.

Center for Advanced Laboratory Medicine, UC San Diego Health, University of California San Diego
Classification: Likely benign for Hypertrophic cardiomyopathy. Last evaluated: 2018-11-22. Review status: criteria provided, single submitter. Criteria: ACMG Guidelines, 2015. Collection method: clinical testing. Allele origin: germline. Affected: yes. Observed: 1 variant allele.

Color Diagnostics, LLC DBA Color Health
Classification: Likely benign for Arrhythmia. Last evaluated: 2018-11-20. Review status: criteria provided, single submitter. Criteria: ACMG Guidelines, 2015. Collection method: clinical testing. Allele origin: germline.

Illumina Laboratory Services, Illumina
Classification: Likely benign for Long QT syndrome 2. Last evaluated: 2018-01-18. Review status: criteria provided, single submitter. Criteria: ICSL Variant Classification Criteria 13 December 2019. Collection method: clinical testing. Allele origin: germline.
Comment: This variant was observed as part of a predisposition screen in an ostensibly healthy population. A literature search was performed for the gene, cDNA change, and amino acid change (where applicable). Publications were found based on this search. The evidence from the literature, in combination with allele frequency data from public databases where available, was sufficient to determine this variant is unlikely to cause disease. Therefore, this variant is classified as likely benign.

Athena Diagnostics
Classification: Likely benign. Last evaluated: 2017-11-03. Review status: criteria provided, single submitter. Criteria: Athena Diagnostics Criteria. Collection method: clinical testing. Allele origin: germline.

Stanford Center for Inherited Cardiovascular Disease, Stanford University
Classification: Uncertain significance. Last evaluated: 2017-04-10. Review status: criteria provided, single submitter. Criteria: ACMG Guidelines, 2015. Collection method: provider interpretation. Allele origin: germline.

Molecular Diagnostic Laboratory for Inherited Cardiovascular Disease, Montreal Heart Institute
Classification: Uncertain significance for Congenital long QT syndrome. Last evaluated: 2016-11-15. Review status: criteria provided, single submitter. Criteria: ACMG Guidelines, 2015. Collection method: clinical testing. Allele origin: germline. Affected: yes.

Ambry Genetics
Classification: Likely benign for Cardiovascular phenotype. Last evaluated: 2016-09-19. Review status: criteria provided, single submitter. Criteria: Ambry Variant Classification Scheme 2023. Collection method: clinical testing. Allele origin: germline.

Laboratory for Molecular Medicine, Mass General Brigham Personalized Medicine
Classification: Uncertain significance. Last evaluated: 2016-04-25. Review status: criteria provided, single submitter. Criteria: LMM Criteria. Collection method: clinical testing. Allele origin: germline.
Comment: Variant identified in a genome or exome case(s) and assessed due to predicted null impact of the variant or pathogenic assertions in the literature or databases. Disclaimer: This variant has not undergone full assessment. The following are preliminary notes: ExAC: 0.2% (27/11562) Latino chromosomes

CSER _CC_NCGL, University of Washington
Classification: Uncertain significance for Long QT syndrome. Last evaluated: 2014-06-01. Review status: no assertion criteria provided. Collection method: research. Allele origin: germline. Inheritance: Autosomal dominant inheritance. Study: ESP 6500 variant annotation. Not counted in ClinVar's aggregate classification.
Comment: Variants classified for the Actionable exomic incidental findings in 6503 participants: challenges of variant classification manuscript

Cardiovascular Biomedical Research Unit, Royal Brompton & Harefield NHS Foundation Trust
No classification provided. Review status: no classification provided. Collection method: literature only. Allele origin: germline. Not counted in ClinVar's aggregate classification.
Comment: This variant has been reported in the following publications (PMID:19716085).

Literature cited by the submitters: PubMed 19716085 (cited by 3 submitters); PubMed 26332594 (cited by Illumina Laboratory Services, Illumina); PubMed 25637381 (cited by Illumina Laboratory Services, Illumina); PubMed 22581653 (cited by Cardiovascular Biomedical Research Unit, Royal Brompton & Harefield NHS Foundation Trust).